The following is an entry in ClinVar:

ClinVar aggregate classification (germline): Uncertain significance (1 of 4 stars; one submission).

Allele frequency attached by ClinVar (database versions not stated): gnomAD 0.00002 and 0.00001.
gnomAD v4.1: 10 of 1,611,576 alleles (0.00062%); highest among the groups gnomAD compares: East Asian, 0.0089%; no homozygotes.

Submission:

Labcorp Genetics (formerly Invitae), Labcorp
Classification: Uncertain significance. Last evaluated: 2025-11-03. Review status: criteria provided, single submitter. Criteria: Invitae Variant Classification Sherloc (09022015). Collection method: clinical testing. Allele origin: germline.
Comment: This sequence change replaces glutamine, which is neutral and polar, with histidine, which is basic and polar, at codon 474 of the AP3D1 protein (p.Gln474His). This variant is present in population databases (rs372300803, gnomAD 0.02%). This variant has not been reported in the literature in individuals affected with AP3D1-related conditions. ClinVar contains an entry for this variant (Variation ID: 1366899). An algorithm developed to predict the effect of missense changes on protein structure and function (PolyPhen-2) suggests that this variant is likely to be tolerated. In summary, the available evidence is currently insufficient to determine the role of this variant in disease. Therefore, it has been classified as a Variant of Uncertain Significance.

NM_001261826.3(AP3D1):c.1422G>T (p.Gln474His)

Gene: AP3D1 (adaptor related protein complex 3 subunit delta 1; minus strand). Cytogenetic location: 19p13.3.
Variant type: single nucleotide variant.
Coding change: c.1422G>T on transcript NM_001261826.3 (MANE Select); coding-DNA position 1422, G replaced by T.
Protein change: p.Gln474His; replaces glutamine 474 with histidine.
Molecular consequence: missense variant.
Genome position (GRCh38, 1-based): chr19:2,120,921, C>A on the plus strand (G>T on the coding strand, the complement: AP3D1 is on the minus strand). VCF-style: chr19-2120921-C-A. GRCh37 (hg19) VCF-style: chr19-2120920-C-A.
Other names: c.1422G>T, p.Gln474His (NM_001374799.1, NM_003938.8); short protein forms Q474H.
Identifiers: ClinVar variation 1366899 (VCV001366899.8), dbSNP rs372300803, ClinGen allele CA9059323.